The following is an entry in ClinVar:

ClinVar aggregate classification (germline): Uncertain significance (1 of 4 stars; one submission).

Conditions:
Epileptic encephalopathy. Identifiers: MedGen C0543888, HP:0200134.

Allele frequency attached by ClinVar (database versions not stated): gnomAD exomes below 0.00001 and 0.00004; gnomAD 0.00001; TOPMed 0.00002; ExAC 0.00003.
gnomAD v4.1: 7 of 1,612,992 alleles (0.00043%); highest among the groups gnomAD compares: East Asian, 0.013%; no homozygotes.

Submission:

Labcorp Genetics (formerly Invitae), Labcorp
Classification: Uncertain significance for Epileptic encephalopathy. Last evaluated: 2018-11-17. Review status: criteria provided, single submitter. Criteria: Invitae Variant Classification Sherloc (09022015). Collection method: clinical testing. Allele origin: germline.
Comment: In summary, the available evidence is currently insufficient to determine the role of this variant in disease. Therefore, it has been classified as a Variant of Uncertain Significance. Algorithms developed to predict the effect of missense changes on protein structure and function are either unavailable or do not agree on the potential impact of this missense change (SIFT: "Deleterious"; PolyPhen-2: "Possibly Damaging"; Align-GVGD: "Class C0"). This variant has not been reported in the literature in individuals with RYR3-related disease. This variant is present in population databases (rs775300751, ExAC 0.05%). This sequence change replaces cysteine with arginine at codon 233 of the RYR3 protein (p.Cys233Arg). The cysteine residue is moderately conserved and there is a large physicochemical difference between cysteine and arginine.

NM_001036.6(RYR3):c.697T>C (p.Cys233Arg)

Gene: RYR3 (ryanodine receptor 3; plus strand). Cytogenetic location: 15q14.
Variant type: single nucleotide variant.
Coding change: c.697T>C on transcript NM_001036.6 (MANE Select); coding-DNA position 697, T replaced by C.
Protein change: p.Cys233Arg; replaces cysteine 233 with arginine.
Molecular consequence: missense variant.
Genome position (GRCh38, 1-based): chr15:33,543,672, T>C. VCF-style: chr15-33543672-T-C. GRCh37 (hg19) VCF-style: chr15-33835873-T-C.
Other names: c.697T>C, p.Cys233Arg (NM_001243996.4); short protein forms C233R.
Identifiers: ClinVar variation 639263 (VCV000639263.8), dbSNP rs775300751, ClinGen allele CA7457898.
Genomic context (GRCh38, chr15:33,543,672, plus strand): 5'-TCTCTTACAGGATACCTACTTGGTGGGCATGTAGTACGTCTTTTCCATGGTCATGATGAA[T>C]GTTTGACGATACCATCTACAGACCAGAATGATTCCCAGCACAGGTAAGTCAGTAGCTGCA-3'
Protein context (NP_001027.3, residues 223-243): VVRLFHGHDE[Cys233Arg]LTIPSTDQND